The following is an entry in ClinVar:

NM_001243133.2(NLRP3):c.1481A>G (p.Lys494Arg)

Gene: NLRP3 (NLR family pyrin domain containing 3; plus strand). Cytogenetic location: 1q44.
Variant type: single nucleotide variant.
Coding change: c.1481A>G on transcript NM_001243133.2 (MANE Select); coding-DNA position 1481, A replaced by G.
Protein change: p.Lys494Arg; replaces lysine 494 with arginine.
Molecular consequence: missense variant.
Genome position (GRCh38, 1-based): chr1:247,424,930, A>G. VCF-style: chr1-247424930-A-G. GRCh37 (hg19) VCF-style: chr1-247588232-A-G.
Other names: c.1481A>G, p.Lys494Arg (NM_001079821.3, NM_001127461.3, NM_001127462.3 and 1 more transcripts); c.1487A>G, p.Lys496Arg (NM_004895.5); short protein forms K494R, K496R.
Identifiers: ClinVar variation 3348749 (VCV003348749.2).

ClinVar aggregate classification (germline): Uncertain significance. Review status: criteria provided, single submitter (1 of 4 stars). 2 submissions from 2 submitters: Uncertain significance (1). 1 of the submissions does not count toward it. Last evaluated 2025-08-13.

Conditions:
Cryopyrin associated periodic syndrome (CAPS). Identifiers: Orphanet 208650, MedGen C2316212, MONDO:0016168.
NLRP3-related disorder. Also called: NLRP3-related condition; NLRP3-Related Disorders.

gnomAD v4.1: 1 of 1,613,658 alleles (0.000062%); highest among the groups gnomAD compares: Non-Finnish European, 0.000085%; no homozygotes.

Submissions (2):

Labcorp Genetics (formerly Invitae), Labcorp
Classification: Uncertain significance for Cryopyrin associated periodic syndrome. Last evaluated: 2025-08-13. Review status: criteria provided, single submitter. Criteria: Invitae Variant Classification Sherloc (09022015). Collection method: clinical testing. Allele origin: germline.
Comment: This sequence change replaces lysine, which is basic and polar, with arginine, which is basic and polar, at codon 496 of the NLRP3 protein (p.Lys496Arg). This variant is not present in population databases (gnomAD no frequency). This variant has not been reported in the literature in individuals affected with NLRP3-related conditions. ClinVar contains an entry for this variant (Variation ID: 3348749). Invitae Evidence Modeling of protein sequence and biophysical properties (such as structural, functional, and spatial information, amino acid conservation, physicochemical variation, residue mobility, and thermodynamic stability) indicates that this missense variant is not expected to disrupt NLRP3 protein function with a negative predictive value of 95%. In summary, the available evidence is currently insufficient to determine the role of this variant in disease. Therefore, it has been classified as a Variant of Uncertain Significance.

PreventionGenetics, part of Exact Sciences
Classification: Uncertain significance for NLRP3-related condition. Last evaluated: 2024-03-25. Review status: no assertion criteria provided. Collection method: clinical testing. Allele origin: germline. Not counted in ClinVar's aggregate classification.
Comment: The NLRP3 c.1487A>G variant is predicted to result in the amino acid substitution p.Lys496Arg. To our knowledge, this variant has not been reported in the literature or in a large population database, indicating this variant is rare. At this time, the clinical significance of this variant is uncertain due to the absence of conclusive functional and genetic evidence.